The following is an entry in ClinVar:

ClinVar aggregate classification (germline): Benign (1 of 4 stars; one submission).

Conditions:
Stargardt disease 3. Also called: MACULAR DYSTROPHY WITH FLECKS, TYPE 3; STARGARDT-LIKE MACULAR DYSTROPHY, AUTOSOMAL DOMINANT. Identifiers: Orphanet 827, MedGen C1838644, MONDO:0010819, OMIM 600110.

Allele frequency attached by ClinVar (database versions not stated): gnomAD 0.02428 and 0.02617; TOPMed 0.02761; 1000 Genomes Project 0.02776.

Submission:

Illumina Laboratory Services, Illumina
Classification: Benign for Stargardt disease 3. Last evaluated: 2018-01-12. Review status: criteria provided, single submitter. Criteria: ICSL Variant Classification Criteria 13 December 2019. Collection method: clinical testing. Allele origin: germline.
Comment: This variant was observed in the ICSL laboratory as part of a predisposition screen in an ostensibly healthy population. It had not been previously curated by ICSL or reported in the Human Gene Mutation Database (HGMD: prior to June 1st, 2018), and was therefore a candidate for classification through an automated scoring system. Utilizing variant allele frequency, disease prevalence and penetrance estimates, and inheritance mode, an automated score was calculated to assess if this variant is too frequent to cause the disease. Based on the score and internal cut-off values, a variant classified as benign is not then subjected to further curation. The score for this variant resulted in a classification of benign for this disease.

NM_022726.4(ELOVL4):c.*1551A>G

Gene: ELOVL4 (ELOVL fatty acid elongase 4; minus strand). Cytogenetic location: 6q14.1.
Variant type: single nucleotide variant.
Coding change: c.*1551A>G on transcript NM_022726.4 (MANE Select); 1551 bases downstream of the stop codon, A replaced by G.
Molecular consequence: 3 prime UTR variant.
Genome position (GRCh38, 1-based): chr6:79,915,057, T>C on the plus strand (A>G on the coding strand, the complement: ELOVL4 is on the minus strand). VCF-style: chr6-79915057-T-C. GRCh37 (hg19) VCF-style: chr6-80624774-T-C.
Identifiers: ClinVar variation 358124 (VCV000358124.5), dbSNP rs55808788, ClinGen allele CA10622760.